The following is an entry in ClinVar:

ClinVar aggregate classification (germline): Uncertain significance (1 of 4 stars; one submission).

Submission:

GeneDx
Classification: Uncertain significance. Last evaluated: 2025-05-15. Review status: criteria provided, single submitter. Criteria: GeneDx Variant Classification Process June 2021. Collection method: clinical testing. Allele origin: germline. Affected: yes.
Comment: In silico analysis suggests that this missense variant does not alter protein structure/function; Has not been previously published as pathogenic or benign to our knowledge

NM_003672.4(CDC14A):c.1780T>C (p.Tyr594His)

Gene: CDC14A (cell division cycle 14A; plus strand). Cytogenetic location: 1p21.2.
Variant type: single nucleotide variant.
Coding change: c.1780T>C on transcript NM_003672.4 (MANE Select); coding-DNA position 1780, T replaced by C.
Protein change: p.Tyr594His; replaces tyrosine 594 with histidine.
Molecular consequence: missense variant. On other transcripts: 3 prime UTR variant (1).
Genome position (GRCh38, 1-based): chr1:100,518,275, T>C. VCF-style: chr1-100518275-T-C. GRCh37 (hg19) VCF-style: chr1-100983831-T-C.
Other names: c.*71T>C (NM_001319210.2); short protein forms Y594H.
Identifiers: ClinVar variation 4529687 (VCV004529687.1).
Genomic context (GRCh38, chr1:100,518,275, plus strand): 5'-GGAATTTAACCTCAGTTTATGTCTCTCCCTGCACAGTCCCTTCAGTCTGAATATGTTCAT[T>C]ACTAAGGCCTTGCCACTCCAGTGAAAGCTGTTCTTCTCTTAGACACAATTTCTTCATCTG-3'
Protein context (NP_003663.2, residues 584-594): IPSLQSEYVH[Tyr594His]